The following is an entry in ClinVar:

ClinVar aggregate classification (germline): Uncertain significance (1 of 4 stars; one submission).

Conditions:
Multiple endocrine neoplasia, type 1 (MEN1). Also called: MEA I; MEN I; WERMER SYNDROME; Endocrine adenomatosis multiple; MEN 1. Identifiers: Orphanet 652, MedGen C0025267, MeSH D018761, MONDO:0007540, OMIM 131100.

Submission:

Labcorp Genetics (formerly Invitae), Labcorp
Classification: Uncertain significance for Multiple endocrine neoplasia, type 1. Last evaluated: 2025-08-05. Review status: criteria provided, single submitter. Criteria: Invitae Variant Classification Sherloc (09022015). Collection method: clinical testing. Allele origin: germline.
Comment: This sequence change replaces valine, which is neutral and non-polar, with methionine, which is neutral and non-polar, at codon 455 of the MEN1 protein (p.Val455Met). This variant is not present in population databases (gnomAD no frequency). This variant has not been reported in the literature in individuals affected with MEN1-related conditions. ClinVar contains an entry for this variant (Variation ID: 970907). Invitae Evidence Modeling of protein sequence and biophysical properties (such as structural, functional, and spatial information, amino acid conservation, physicochemical variation, residue mobility, and thermodynamic stability) indicates that this missense variant is expected to disrupt MEN1 protein function with a positive predictive value of 95%. In summary, the available evidence is currently insufficient to determine the role of this variant in disease. Therefore, it has been classified as a Variant of Uncertain Significance.

NM_001370259.2(MEN1):c.1363G>A (p.Val455Met)

Gene: MEN1 (menin 1; minus strand). Cytogenetic location: 11q13.1.
Variant type: single nucleotide variant.
Coding change: c.1363G>A on transcript NM_001370259.2 (MANE Select); coding-DNA position 1363, G replaced by A.
Protein change: p.Val455Met; replaces valine 455 with methionine.
Molecular consequence: missense variant.
Genome position (GRCh38, 1-based): chr11:64,804,804, C>T on the plus strand (G>A on the coding strand, the complement: MEN1 is on the minus strand). VCF-style: chr11-64804804-C-T. GRCh37 (hg19) VCF-style: chr11-64572276-C-T.
Other names: c.1378G>A, p.Val460Met (NM_130802.3, NM_130803.3, NM_130800.3 and 3 more transcripts); c.1363G>A, p.Val455Met (NM_001370261.2, NM_130799.3, NM_001370260.2); c.1258G>A, p.Val420Met (NM_001370262.2, NM_001370263.2); c.1489G>A, p.Val497Met (NM_001370251.2); short protein forms V420M, V455M, V497M, V460M.
Identifiers: ClinVar variation 970907 (VCV000970907.9), dbSNP rs1941570102, ClinGen allele CA381179890.